The following is an entry in ClinVar:

NM_024675.4(PALB2):c.2158A>C (p.Thr720Pro)

Gene: PALB2 (partner and localizer of BRCA2; minus strand). Cytogenetic location: 16p12.2.
Variant type: single nucleotide variant.
Coding change: c.2158A>C on transcript NM_024675.4 (MANE Select); coding-DNA position 2158, A replaced by C.
Protein change: p.Thr720Pro; replaces threonine 720 with proline.
Molecular consequence: missense variant.
Genome position (GRCh38, 1-based): chr16:23,629,996, T>G on the plus strand (A>C on the coding strand, the complement: PALB2 is on the minus strand). VCF-style: chr16-23629996-T-G. GRCh37 (hg19) VCF-style: chr16-23641317-T-G.
Other names: short protein forms T720P.
Identifiers: ClinVar variation 480257 (VCV000480257.6), dbSNP rs1555460466, ClinGen allele CA395125678.

ClinVar aggregate classification (germline): Uncertain significance (1 of 4 stars; one submission).

Conditions:
Hereditary cancer-predisposing syndrome. Also called: Hereditary Cancer Syndrome; Neoplastic Syndromes, Hereditary; Tumor predisposition; Hereditary neoplastic syndrome. Identifiers: Orphanet 140162, MedGen C0027672, MeSH D009386, MONDO:0015356.

Submission:

Ambry Genetics
Classification: Uncertain significance for Hereditary cancer-predisposing syndrome. Last evaluated: 2024-12-25. Review status: criteria provided, single submitter. Criteria: Ambry Variant Classification Scheme 2023. Collection method: clinical testing. Allele origin: germline.
Comment: The p.T720P variant (also known as c.2158A>C), located in coding exon 5 of the PALB2 gene, results from an A to C substitution at nucleotide position 2158. The threonine at codon 720 is replaced by proline, an amino acid with highly similar properties. This amino acid position is poorly conserved in available vertebrate species. In addition, this alteration is predicted to be tolerated by in silico analysis. Based on the available evidence, the clinical significance of this variant remains unclear.